The following is an entry in ClinVar:

NM_001166108.2(PALLD):c.1771G>A (p.Glu591Lys)

Gene: PALLD (palladin, cytoskeletal associated protein; plus strand). Cytogenetic location: 4q32.3.
Variant type: single nucleotide variant.
Coding change: c.1771G>A on transcript NM_001166108.2 (MANE Select); coding-DNA position 1771, G replaced by A.
Protein change: p.Glu591Lys; replaces glutamic acid 591 with lysine.
Molecular consequence: missense variant.
Genome position (GRCh38, 1-based): chr4:168,711,730, G>A. VCF-style: chr4-168711730-G-A. GRCh37 (hg19) VCF-style: chr4-169632881-G-A.
Other names: c.625G>A, p.Glu209Lys (NM_001166109.2); c.1771G>A, p.Glu591Lys (NM_016081.4); short protein forms E591K, E209K.
Identifiers: ClinVar variation 1779807 (VCV001779807.2), dbSNP rs772476893, ClinGen allele CA3135723.

ClinVar aggregate classification (germline): Uncertain significance (1 of 4 stars; one submission).

gnomAD v4.1: 1 of 1,614,084 alleles (0.000062%); highest among the groups gnomAD compares: Non-Finnish European, 0.000085%; no homozygotes.

Submission:

Ambry Genetics
Classification: Uncertain significance. Last evaluated: 2023-11-15. Review status: criteria provided, single submitter. Criteria: Ambry Variant Classification Scheme 2023. Collection method: clinical testing. Allele origin: germline.
Comment: The p.E591K variant (also known as c.1771G>A), located in coding exon 9 of the PALLD gene, results from a G to A substitution at nucleotide position 1771. The glutamic acid at codon 591 is replaced by lysine, an amino acid with similar properties. This amino acid position is conserved. In addition, this alteration is predicted to be tolerated by in silico analysis. Since supporting evidence is limited at this time, the clinical significance of this alteration remains unclear.